The following is an entry in ClinVar:

ClinVar aggregate classification (germline): Benign/Likely benign. Review status: criteria provided, multiple submitters, no conflicts (2 of 4 stars). 10 submissions from 10 submitters: Benign (1); Likely benign (7). 2 of the submissions do not count toward it. Last evaluated 2026-02-02.

Conditions:
FLNB-Related Spectrum Disorders.
Connective tissue disorder. Also called: Connective tissue disease. Identifiers: MedGen C0009782, MONDO:0003900.

Allele frequency attached by ClinVar (database versions not stated): 1000 Genomes Project 30x 0.00078; 1000 Genomes Project 0.00100; TOPMed 0.00104; gnomAD 0.00116 and 0.00124; ESP Exome Variant Server 0.00123; ExAC 0.00146; gnomAD exomes 0.00148 and 0.00182.
gnomAD v4.1: 2,857 of 1,613,766 alleles (0.18%); highest among the groups gnomAD compares: Non-Finnish European, 0.2%; 8 homozygotes.

Submissions (10):

Labcorp Genetics (formerly Invitae), Labcorp
Classification: Benign. Last evaluated: 2026-02-02. Review status: criteria provided, single submitter. Criteria: Invitae Variant Classification Sherloc (09022015). Collection method: clinical testing. Allele origin: germline.

CeGaT Center for Human Genetics Tuebingen
Classification: Likely benign. Last evaluated: 2026-02-01. Review status: criteria provided, single submitter. Criteria: CeGaT Center For Human Genetics Tuebingen Variant Classification Criteria Version 2. Collection method: clinical testing. Allele origin: germline. Affected: yes. Observed: 3 variant alleles.
Comment: FLNB: BP4, BP7

Blueprint Genetics
Classification: Likely benign. Last evaluated: 2024-10-16. Review status: criteria provided, single submitter. Criteria: ACMG Guidelines, 2015. Collection method: clinical testing. Allele origin: germline.

Genome Diagnostics Laboratory, The Hospital for Sick Children
Classification: Likely benign for Connective tissue disorder. Last evaluated: 2021-11-25. Review status: criteria provided, single submitter. Criteria: ACMG Guidelines, 2015. Collection method: clinical testing. Allele origin: germline.

GeneDx
Classification: Likely benign. Last evaluated: 2021-09-22. Review status: criteria provided, single submitter. Criteria: GeneDx Variant Classification Process June 2021. Collection method: clinical testing. Allele origin: germline. Affected: yes.

ARUP Laboratories, Molecular Genetics and Genomics, ARUP Laboratories
Classification: Likely benign. Last evaluated: 2021-05-02. Review status: criteria provided, single submitter. Criteria: ARUP Molecular Germline Variant Investigation Process 2021. Collection method: clinical testing. Allele origin: germline.

Illumina Laboratory Services, Illumina
Classification: Likely benign for FLNB-Related Spectrum Disorders. Last evaluated: 2018-01-12. Review status: criteria provided, single submitter. Criteria: ICSL Variant Classification Criteria 13 December 2019. Collection method: clinical testing. Allele origin: germline.
Comment: This variant was observed in the ICSL laboratory as part of a predisposition screen in an ostensibly healthy population. It had not been previously curated by ICSL or reported in the Human Gene Mutation Database (HGMD: prior to June 1st, 2018), and was therefore a candidate for classification through an automated scoring system. Utilizing variant allele frequency, disease prevalence and penetrance estimates, and inheritance mode, an automated score was calculated to assess if this variant is too frequent to cause the disease. Based on the score and internal cut-off values, a variant classified as likely benign is not then subjected to further curation. The score for this variant resulted in a classification of likely benign for this disease.

Eurofins Ntd Llc (ga)
Classification: Likely benign. Last evaluated: 2015-10-23. Review status: criteria provided, single submitter. Criteria: EGL Classification Definitions 2015. Collection method: clinical testing. Allele origin: germline. Observed: 1 variant allele, 1 heterozygote.

Clinical Genetics DNA and cytogenetics Diagnostics Lab, Erasmus MC, Erasmus Medical Center
Classification: Likely benign. Review status: no assertion criteria provided. Collection method: clinical testing. Allele origin: germline. Affected: yes. Study: VKGL Data-share Consensus. Not counted in ClinVar's aggregate classification.

Genome Diagnostics Laboratory, Amsterdam University Medical Center
Classification: Likely benign. Review status: no assertion criteria provided. Collection method: clinical testing. Allele origin: germline. Affected: yes. Study: VKGL Data-share Consensus. Not counted in ClinVar's aggregate classification.

NM_001457.4(FLNB):c.2493C>T (p.Pro831=)

Genes: FLNB (filamin B; plus strand), LOC129936935 (ATAC-STARR-seq lymphoblastoid active region 19999; plus strand). Cytogenetic location: 3p14.3.
Variant type: single nucleotide variant.
Coding change: c.2493C>T on transcript NM_001457.4 (MANE Select); coding-DNA position 2493, C replaced by T.
Protein change: p.Pro831=; no amino-acid change (proline 831 retained).
Molecular consequence: synonymous variant.
Genome position (GRCh38, 1-based): chr3:58,111,799, C>T. VCF-style: chr3-58111799-C-T. GRCh37 (hg19) VCF-style: chr3-58097526-C-T.
Other names: c.2493C>T, p.Pro831= (NM_001164317.2, NM_001164318.2, NM_001164319.2).
Identifiers: ClinVar variation 284044 (VCV000284044.51), dbSNP rs145952210, ClinGen allele CA2468149.